The following is an entry in ClinVar:

ClinVar aggregate classification (germline): Uncertain significance (1 of 4 stars; one submission).

Conditions:
Hyperlipoproteinemia, type 1D. Also called: Hyperlipoproteinemia, type ID. Identifiers: Orphanet 444490, Orphanet 535458, MedGen C4014767, MONDO:0014412, OMIM 615947.

Allele frequency attached by ClinVar (database versions not stated): ExAC 0.00001.

Submission:

Neuberg Centre For Genomic Medicine, NCGM
Classification: Uncertain significance for Hyperlipoproteinemia, type 1D. Review status: criteria provided, single submitter. Criteria: ACMG Guidelines, 2015. Collection method: clinical testing. Allele origin: germline. Inheritance: Autosomal recessive inheritance. Affected: yes.
Comment: The observed missense c.472C>T(p.Arg158Trp) variant in GPIHBP1 gene has not been reported previously as a pathogenic variant nor a benign variant, to our knowledge. The p.Arg158Trp variant has been reported with allele frequency of 0.001% in gnomAD Exomes. This variant has not been submitted to the ClinVar database. The amino acid Arg at position 158 is changed to a Trp changing protein sequence and it might alter its composition and physico-chemical properties. For these reasons, this variant has been classified as a Variant of Uncertain Significance (VUS).

NM_178172.6(GPIHBP1):c.472C>T (p.Arg158Trp)

Gene: GPIHBP1 (glycosylphosphatidylinositol anchored high density lipoprotein binding protein 1; plus strand). Cytogenetic location: 8q24.3.
Variant type: single nucleotide variant.
Coding change: c.472C>T on transcript NM_178172.6 (MANE Select); coding-DNA position 472, C replaced by T.
Protein change: p.Arg158Trp; replaces arginine 158 with tryptophan.
Molecular consequence: missense variant. On other transcripts: intron variant (1).
Genome position (GRCh38, 1-based): chr8:143,215,435, C>T. VCF-style: chr8-143215435-C-T. GRCh37 (hg19) VCF-style: chr8-144297310-C-T.
Other names: c.375+97C>T (NM_001301772.2); short protein forms R158W.
Identifiers: ClinVar variation 3242178 (VCV003242178.1), dbSNP rs762093328.